The following is an entry in ClinVar:

NC_000009.11:g.(?_111640893)_(111929571_?)dup

Genes: ABITRAM (actin binding transcription modulator; plus strand), CTNNAL1 (catenin alpha like 1; minus strand), ELP1 (elongator acetyltransferase complex subunit 1; minus strand), FRRS1L (ferric chelate reductase 1 like; minus strand), MIR32 (microRNA 32; minus strand) and 1 more. Cytogenetic location: 9q31.3.
Variant type: Duplication.
Identifiers: ClinVar variation 1042382 (VCV001042382.1).

ClinVar aggregate classification (germline): Uncertain significance (1 of 4 stars; one submission).

Conditions:
Developmental and epileptic encephalopathy, 37 (DEE37). Also called: Epileptic encephalopathy, early infantile, 37. Identifiers: MedGen C4310770, MONDO:0014859, OMIM 616981.

Submission:

Labcorp Genetics (formerly Invitae), Labcorp
Classification: Uncertain significance for Developmental and epileptic encephalopathy, 37. Last evaluated: 2020-10-08. Review status: criteria provided, single submitter. Criteria: Invitae Variant Classification Sherloc (09022015). Collection method: clinical testing. Allele origin: germline.
Comment: This variant results in a copy number gain of the genomic region encompassing the full coding sequence of the FRRS1L gene. The boundaries of this event are unknown as they extend beyond the assayed region for this gene and therefore may encompass additional genes. As the precise location of this event is unknown, it may be in tandem or it may be located elsewhere in the genome. This variant has not been reported in the literature in individuals with FRRS1L-related conditions. In summary, the available evidence is currently insufficient to determine the role of this variant in disease. Therefore, it has been classified as a Variant of Uncertain Significance.